The following is an entry in ClinVar:

NM_000059.4(BRCA2):c.2033ATA[1] (p.Asn679del)

Gene: BRCA2 (BRCA2 DNA repair associated; plus strand). Cytogenetic location: 13q13.1.
Variant type: Microsatellite.
Coding change: c.2033ATA[1] on transcript NM_000059.4 (MANE Select); one copy of the 3-base unit ATA starting at c.2033; the reference has two copies in a row; one copy, 3 bases deleted.
Protein change: p.Asn679del; deletes asparagine 679.
Molecular consequence: inframe deletion. On other transcripts: inframe indel (1), non-coding transcript variant (1), intron variant (2).
Genome position (GRCh38, 1-based): chr13:32,336,391-32,336,393, ATA deleted; deleting any 3 consecutive bases within chr13:32,336,386-32,336,393 gives the same sequence; the position shown is the placement nearest the transcript's 3' end. VCF-style (leftmost placement, unchanged base first): chr13-32336385-CTAA-C. GRCh37 (hg19) VCF-style: chr13-32910522-CTAA-C.
Other names: c.2033_2035ATA[1], p.Asn679del (NM_000059.3); c.2033ATA[1], p.Asn679del (NM_001406719.1, NM_001406720.1); c.1909+3004_1909+3006del (NM_001406721.1); c.424+5361_424+5363del (NM_001406722.1); c.2036_2038delATA (NM_000059.3); short protein forms N679del.
Identifiers: ClinVar variation 2827570 (VCV002827570.4), dbSNP rs2548523020, ClinGen allele CA2739277499.

ClinVar aggregate classification (germline): Uncertain significance. Review status: criteria provided, multiple submitters, no conflicts (2 of 4 stars). 2 submissions from 2 submitters: Uncertain significance (2). Last evaluated 2026-02-19.

Conditions:
Hereditary cancer-predisposing syndrome. Also called: Tumor predisposition; Neoplastic Syndromes, Hereditary; Hereditary Cancer Syndrome; Hereditary neoplastic syndrome. Identifiers: Orphanet 140162, MedGen C0027672, MeSH D009386, MONDO:0015356.
Hereditary breast ovarian cancer syndrome. Also called: Hereditary breast and ovarian cancer syndrome; Hereditary breast and ovarian cancer; Hereditary breast and/or ovarian cancer syndrome; BRCA1- and BRCA2-Associated Hereditary Breast and Ovarian Cancer; Breast and ovarian cancer; Hereditary breast and ovarian cancer syndrome (HBOC). Identifiers: Orphanet 145, MedGen C0677776, MeSH D061325, MONDO:0003582. Disease mechanism: loss of function.

Submissions (2):

Ambry Genetics
Classification: Uncertain significance for Hereditary cancer-predisposing syndrome. Last evaluated: 2026-02-19. Review status: criteria provided, single submitter. Criteria: Ambry Variant Classification Scheme 2023. Collection method: clinical testing. Allele origin: germline.
Comment: The c.2036_2038delATA variant (also known as p.N679del) is located in coding exon 10 of the BRCA2 gene. This variant results from an in-frame ATA deletion at nucleotide positions 2036 to 2038. This results in the in-frame deletion of an asparagine at codon 679. This amino acid position is not well conserved in available vertebrate species. In addition, the in silico prediction for this variant is inconclusive (Choi Y et al. PLoS ONE. 2012; 7(10):e46688). Based on the available evidence, the clinical significance of this variant remains unclear.

Labcorp Genetics (formerly Invitae), Labcorp
Classification: Uncertain significance for Hereditary breast ovarian cancer syndrome. Last evaluated: 2023-09-26. Review status: criteria provided, single submitter. Criteria: Invitae Variant Classification Sherloc (09022015). Collection method: clinical testing. Allele origin: germline.
Comment: This variant, c.2036_2038del, results in the deletion of 1 amino acid(s) of the BRCA2 protein (p.Asn679del), but otherwise preserves the integrity of the reading frame. This variant is not present in population databases (gnomAD no frequency). This variant has not been reported in the literature in individuals affected with BRCA2-related conditions. Experimental studies and prediction algorithms are not available or were not evaluated, and the functional significance of this variant is currently unknown. In summary, the available evidence is currently insufficient to determine the role of this variant in disease. Therefore, it has been classified as a Variant of Uncertain Significance.